The following is an entry in ClinVar:

ClinVar aggregate classification (germline): Pathogenic/Likely pathogenic. Review status: criteria provided, multiple submitters, no conflicts (2 of 4 stars). 4 submissions from 4 submitters: Pathogenic (3); Likely pathogenic (1). Last evaluated 2024-04-19.

Conditions:
Asphyxiating thoracic dystrophy 3. Also called: SHORT-RIB THORACIC DYSPLASIA 3 WITH OR WITHOUT POLYDACTYLY; POLYDACTYLY WITH NEONATAL CHONDRODYSTROPHY, TYPE I; SHORT-RIB THORACIC DYSPLASIA 3/6 WITH POLYDACTYLY, DIGENIC; Short rib polydactyly syndrome 2B; Saldino-Noonan Syndrome. Identifiers: Orphanet 474, Orphanet 93269, Orphanet 93270, Orphanet 93271, MedGen C0036069, MONDO:0013127, OMIM 613091.
DYNC2H1-related disorder. Also called: DYNC2H1-related condition; DYNC2H1-related disorders. Identifiers: MedGen CN378770.

Allele frequency attached by ClinVar (database versions not stated): gnomAD 0.00001; TOPMed 0.00001; gnomAD exomes 0.00001.
gnomAD v4.1: 10 of 1,575,092 alleles (0.00063%); highest among the groups gnomAD compares: African/African-American, 0.0014%; no homozygotes.

Submissions (4):

Myriad Genetics, Inc.
Classification: Pathogenic for Asphyxiating thoracic dystrophy 3. Last evaluated: 2024-04-19. Review status: criteria provided, single submitter. Criteria: Myriad Autosomal Dominant, Autosomal Recessive and X-Linked Classification Criteria (2023). Collection method: clinical testing. Allele origin: unknown.
Comment: NM_001377.2(DYNC2H1):c.244C>T(R82*) is expected to be pathogenic in the context of DYNC2H1-related disorders. This variant is predicted to lead to an abnormal or absent protein product due to the creation of a premature termination codon in DYNC2H1, a gene where loss-of-function variants are known to be pathogenic. Please note: this variant was assessed in the context of healthy population screening.

Blueprint Genetics
Classification: Likely pathogenic for DYNC2H1-related disorders. Last evaluated: 2024-03-07. Review status: criteria provided, single submitter. Criteria: ACMG Guidelines, 2015. Collection method: clinical testing. Allele origin: germline. Affected: yes. Observed: 3 variant alleles.

GeneDx
Classification: Pathogenic. Last evaluated: 2023-09-21. Review status: criteria provided, single submitter. Criteria: GeneDx Variant Classification Process June 2021. Collection method: clinical testing. Allele origin: germline. Affected: yes.
Comment: Nonsense variant predicted to result in protein truncation or nonsense mediated decay in a gene for which loss-of-function is a known mechanism of disease; Not observed at significant frequency in large population cohorts (gnomAD); Reported in the heterozygous state in an individual with suspected skeletal dysplasia (Scocchia et al., 2021); This variant is associated with the following publications: (PMID: 35611473, 34627339)

Revvity Omics, Revvity
Classification: Pathogenic for Asphyxiating thoracic dystrophy 3. Last evaluated: 2020-09-01. Review status: criteria provided, single submitter. Criteria: ACMG Guidelines, 2015. Collection method: clinical testing. Allele origin: germline.

NM_001377.3(DYNC2H1):c.244C>T (p.Arg82Ter)

Gene: DYNC2H1 (dynein cytoplasmic 2 heavy chain 1; plus strand). Cytogenetic location: 11q22.3.
Variant type: single nucleotide variant.
Coding change: c.244C>T on transcript NM_001377.3 (MANE Select); coding-DNA position 244, C replaced by T.
Protein change: p.Arg82Ter; replaces arginine 82 with a stop codon.
Molecular consequence: nonsense.
Genome position (GRCh38, 1-based): chr11:103,113,585, C>T. VCF-style: chr11-103113585-C-T. GRCh37 (hg19) VCF-style: chr11-102984314-C-T.
Other names: c.244C>T, p.Arg82Ter (NM_001080463.2); short protein forms R82*.
Identifiers: ClinVar variation 1224371 (VCV001224371.9), dbSNP rs1249901214, ClinGen allele CA382242804.
Genomic context (GRCh38, chr11:103,113,585, plus strand): 5'-TTATCACTTTAGATTGAGTTTGGTGACACAAAAGATAAAGTGCTGGTGTTTTTCAAGCTG[C>T]GACCTGAAGTAATTACTGATGAGAATCTACATGATAACATTCTTGTTTCATCTATGTTAG-3'